The following is an entry in ClinVar:

ClinVar aggregate classification (germline): Uncertain significance (1 of 4 stars; one submission).

Conditions:
Norman-Roberts syndrome (LIS2). Also called: Lissencephaly 2 (Norman-Roberts type). Identifiers: Orphanet 89844, MedGen C0796089, MONDO:0009760, OMIM 257320.
Familial temporal lobe epilepsy 7. Identifiers: Orphanet 101046, MedGen C4225327, MONDO:0014639, OMIM 616436.

Submission:

Labcorp Genetics (formerly Invitae), Labcorp
Classification: Uncertain significance for Familial temporal lobe epilepsy 7; Norman-Roberts syndrome. Last evaluated: 2022-06-20. Review status: criteria provided, single submitter. Criteria: Invitae Variant Classification Sherloc (09022015). Collection method: clinical testing. Allele origin: germline.
Comment: In summary, the available evidence is currently insufficient to determine the role of this variant in disease. Therefore, it has been classified as a Variant of Uncertain Significance. Algorithms developed to predict the effect of missense changes on protein structure and function are either unavailable or do not agree on the potential impact of this missense change (SIFT: "Deleterious"; PolyPhen-2: "Probably Damaging"; Align-GVGD: "Class C0"). This variant has not been reported in the literature in individuals affected with RELN-related conditions. This variant is not present in population databases (gnomAD no frequency). This sequence change replaces cysteine, which is neutral and slightly polar, with arginine, which is basic and polar, at codon 1098 of the RELN protein (p.Cys1098Arg).

NM_005045.4(RELN):c.3292T>C (p.Cys1098Arg)

Gene: RELN (reelin; minus strand). Cytogenetic location: 7q22.1.
Variant type: single nucleotide variant.
Coding change: c.3292T>C on transcript NM_005045.4 (MANE Select); coding-DNA position 3292, T replaced by C.
Protein change: p.Cys1098Arg; replaces cysteine 1098 with arginine.
Molecular consequence: missense variant.
Genome position (GRCh38, 1-based): chr7:103,603,345, A>G on the plus strand (T>C on the coding strand, the complement: RELN is on the minus strand). VCF-style: chr7-103603345-A-G. GRCh37 (hg19) VCF-style: chr7-103243792-A-G.
Other names: c.3292T>C, p.Cys1098Arg (NM_173054.3); short protein forms C1098R.
Identifiers: ClinVar variation 2005363 (VCV002005363.4), dbSNP rs2484735035, ClinGen allele CA368762891.
Genomic context (GRCh38, chr7:103,603,345, plus strand): 5'-TCCCAGCTGTTGGTCATACCTTGCTGAAGTACAGAGATGATCCAGAAGAGATGACACCAC[A>G]CCCTTGTTCTGGTTTTACAATTTCTCCCCCAATAACTTCTTGCCAGTCAGACTCCCAGCC-3'
Protein context (NP_005036.2, residues 1088-1108): GGEIVKPEQG[Cys1098Arg]GVISSGSSLY